The following is an entry in ClinVar:

NM_152443.3(RDH12):c.32T>C (p.Phe11Ser)

Genes: RDH12 (retinol dehydrogenase 12; plus strand), GPHN (gephyrin; plus strand). Cytogenetic location: 14q24.1.
Variant type: single nucleotide variant.
Coding change: c.32T>C on transcript NM_152443.3 (MANE Select); coding-DNA position 32, T replaced by C.
Protein change: p.Phe11Ser; replaces phenylalanine 11 with serine.
Molecular consequence: missense variant.
Genome position (GRCh38, 1-based): chr14:67,722,674, T>C. VCF-style: chr14-67722674-T-C. GRCh37 (hg19) VCF-style: chr14-68189391-T-C.
Other names: short protein forms F11S.
Identifiers: ClinVar variation 1955767 (VCV001955767.5), dbSNP rs2503780172, ClinGen allele CA390146296.

ClinVar aggregate classification (germline): Uncertain significance (1 of 4 stars; one submission).

Conditions:
Leber congenital amaurosis 13 (LCA13). Identifiers: MedGen C2675186, MONDO:0012990, OMIM 612712.

Allele frequency attached by ClinVar (database versions not stated): gnomAD exomes below 0.00001.
gnomAD v4.1: 2 of 1,613,990 alleles (0.00012%); highest among the groups gnomAD compares: Non-Finnish European, 0.00017%; no homozygotes.

Submission:

Labcorp Genetics (formerly Invitae), Labcorp
Classification: Uncertain significance for Leber congenital amaurosis 13. Last evaluated: 2022-03-11. Review status: criteria provided, single submitter. Criteria: Invitae Variant Classification Sherloc (09022015). Collection method: clinical testing. Allele origin: germline.
Comment: This variant has not been reported in the literature in individuals affected with RDH12-related conditions. This variant is not present in population databases (gnomAD no frequency). This sequence change replaces phenylalanine, which is neutral and non-polar, with serine, which is neutral and polar, at codon 11 of the RDH12 protein (p.Phe11Ser). Algorithms developed to predict the effect of missense changes on protein structure and function are either unavailable or do not agree on the potential impact of this missense change (SIFT: "Deleterious"; PolyPhen-2: "Not Available"; Align-GVGD: "Class C0"). In summary, the available evidence is currently insufficient to determine the role of this variant in disease. Therefore, it has been classified as a Variant of Uncertain Significance.